The following is an entry in ClinVar:

NM_170606.3(KMT2C):c.5913G>T (p.Arg1971Ser)

Gene: KMT2C (lysine methyltransferase 2C; minus strand). Cytogenetic location: 7q36.1.
Variant type: single nucleotide variant.
Coding change: c.5913G>T on transcript NM_170606.3 (MANE Select); coding-DNA position 5913, G replaced by T.
Protein change: p.Arg1971Ser; replaces arginine 1971 with serine.
Molecular consequence: missense variant.
Genome position (GRCh38, 1-based): chr7:152,181,947, C>A on the plus strand (G>T on the coding strand, the complement: KMT2C is on the minus strand). VCF-style: chr7-152181947-C-A. GRCh37 (hg19) VCF-style: chr7-151879032-C-A.
Other names: short protein forms R1971S.
Identifiers: ClinVar variation 4881316 (VCV004881316.2).
Genomic context (GRCh38, chr7:152,181,947, plus strand): 5'-TGAAACTACAGGAGACCGGGATAGGCCCAAGGATTTGGGAAATTGATCTGTCATCACAGG[C>A]CTAGGTGTGTCTGGAGGTTTTGCATAGGGGTCATTATTTGTCGTGGAAGAAGAACATAAA-3'
Protein context (NP_733751.2, residues 1961-1981): DPYAKPPDTP[Arg1971Ser]PVMTDQFPKS

ClinVar aggregate classification (germline): Uncertain significance (1 of 4 stars; one submission).

Submission:

Dasa
Classification: Uncertain significance. Last evaluated: 2024-10-25. Review status: criteria provided, single submitter. Criteria: DASA Assertion Criteria. Collection method: clinical testing. Allele origin: germline.
Comment: NM_170606.3(KMT2C):c.5913G>T (p.Arg1971Ser) is a missense variant that results in the substitution of arginine with serine. This variant is absent from population databases. Computational prediction algorithms are consistent with a benign effect. The currently available literature and clinical evidence are not sufficient to establish a definitive association between this variant and the reported condition. Therefore, this variant is classified as a variant of uncertain significance.